The following is an entry in ClinVar:

ClinVar aggregate classification (germline): Uncertain significance (1 of 4 stars; one submission).

Submission:

Women's Health and Genetics/Laboratory Corporation of America, LabCorp
Classification: Uncertain significance. Last evaluated: 2026-04-17. Review status: criteria provided, single submitter. Criteria: LabCorp Variant Classification Summary - May 2015. Collection method: clinical testing. Allele origin: germline.
Comment: Variant summary: B3GALT6 c.223G>A (p.Val75Met) results in a conservative amino acid change in the encoded protein sequence. Algorithms developed to predict the effect of missense changes on protein structure and function all suggest that this variant is likely to be tolerated. The frequency data for this variant in gnomAD is considered unreliable, as metrics indicate poor data quality at this position. To our knowledge, no occurrence of c.223G>A in individuals affected with B3GALT6-related conditions and no experimental evidence demonstrating its impact on protein function have been reported. No submitters have cited clinical-significance assessments for this variant to ClinVar. Based on the evidence outlined above, the variant was classified as uncertain significance.

NM_080605.4(B3GALT6):c.223G>A (p.Val75Met)

Gene: B3GALT6 (beta-1,3-galactosyltransferase 6; plus strand). Cytogenetic location: 1p36.33.
Variant type: single nucleotide variant.
Coding change: c.223G>A on transcript NM_080605.4 (MANE Select); coding-DNA position 223, G replaced by A.
Protein change: p.Val75Met; replaces valine 75 with methionine.
Molecular consequence: missense variant.
Genome position (GRCh38, 1-based): chr1:1,232,501, G>A. VCF-style: chr1-1232501-G-A. GRCh37 (hg19) VCF-style: chr1-1167881-G-A.
Other names: short protein forms V75M.
Identifiers: ClinVar variation 4848458 (VCV004848458.1).